The following is an entry in ClinVar:

NM_000217.3(KCNA1):c.1034A>G (p.Tyr345Cys)

Gene: KCNA1 (potassium voltage-gated channel subfamily A member 1; plus strand). Cytogenetic location: 12p13.32.
Variant type: single nucleotide variant.
Coding change: c.1034A>G on transcript NM_000217.3 (MANE Select); coding-DNA position 1034, A replaced by G.
Protein change: p.Tyr345Cys; replaces tyrosine 345 with cysteine.
Molecular consequence: missense variant.
Genome position (GRCh38, 1-based): chr12:4,912,412, A>G. VCF-style: chr12-4912412-A-G. GRCh37 (hg19) VCF-style: chr12-5021578-A-G.
Other names: c.1034A>G (NM_000217.2); short protein forms Y345C.
Identifiers: ClinVar variation 1978375 (VCV001978375.5), dbSNP rs2497353637, ClinGen allele CA383455884.

ClinVar aggregate classification (germline): Uncertain significance. Review status: criteria provided, multiple submitters, no conflicts (2 of 4 stars). 2 submissions from 2 submitters: Uncertain significance (2). Last evaluated 2024-09-10.

Conditions:
Episodic ataxia type 1 (EA1). Also called: ATAXIA, EPISODIC, WITH MYOKYMIA; MYOKYMIA WITH PERIODIC ATAXIA; PAROXYSMAL ATAXIA WITH NEUROMYOTONIA, HEREDITARY; Episodic ataxia/myokymia syndrome. Identifiers: Orphanet 37612, Orphanet 972, MedGen C1719788, MONDO:0008047, OMIM 160120.

Submissions (2):

GeneDx
Classification: Uncertain significance. Last evaluated: 2024-09-10. Review status: criteria provided, single submitter. Criteria: GeneDx Variant Classification Process June 2021. Collection method: clinical testing. Allele origin: germline. Affected: yes.
Comment: Not observed at significant frequency in large population cohorts (gnomAD); In silico analysis supports that this missense variant has a deleterious effect on protein structure/function; Has not been previously published as pathogenic or benign to our knowledge

Labcorp Genetics (formerly Invitae), Labcorp
Classification: Uncertain significance for Episodic ataxia type 1. Last evaluated: 2022-10-14. Review status: criteria provided, single submitter. Criteria: Invitae Variant Classification Sherloc (09022015). Collection method: clinical testing. Allele origin: germline.
Comment: In summary, the available evidence is currently insufficient to determine the role of this variant in disease. Therefore, it has been classified as a Variant of Uncertain Significance. Advanced modeling of protein sequence and biophysical properties (such as structural, functional, and spatial information, amino acid conservation, physicochemical variation, residue mobility, and thermodynamic stability) performed at Invitae indicates that this missense variant is expected to disrupt KCNA1 protein function. This variant has not been reported in the literature in individuals affected with KCNA1-related conditions. This variant is not present in population databases (gnomAD no frequency). This sequence change replaces tyrosine, which is neutral and polar, with cysteine, which is neutral and slightly polar, at codon 345 of the KCNA1 protein (p.Tyr345Cys).